The following is an entry in ClinVar:

ClinVar aggregate classification (germline): Pathogenic (1 of 4 stars; one submission).

Conditions:
Hypertrophic cardiomyopathy. Also called: HYPERTROPHIC MYOCARDIOPATHY. Identifiers: Orphanet 217569, MedGen C0007194, MeSH D002312, MONDO:0005045, HP:0001639.

Submission:

Labcorp Genetics (formerly Invitae), Labcorp
Classification: Pathogenic for Hypertrophic cardiomyopathy. Last evaluated: 2018-05-02. Review status: criteria provided, single submitter. Criteria: Invitae Variant Classification Sherloc (09022015). Collection method: clinical testing. Allele origin: germline.
Comment: This variant is an out-of-frame deletion of the genomic region encompassing exons 23-26 of the MYBPC3 gene. This is expected to create a premature translational stop signal and result in an absent or disrupted protein product. A similar variant has been reported in individuals affected with hypertrophic cardiomyopathy (PMID: 27532257,Â¬â€ 22115648). Loss-of-function variants in MYBPC3 are known to be pathogenic (PMID: 19574547). For these reasons, this variant has been classified as Pathogenic.

Literature cited by the submitters: PubMed 27532257.

NC_000011.10:g.(?_47335857)_(47338759_?)del

Gene: MYBPC3 (myosin binding protein C3; minus strand). Cytogenetic location: 11p11.2.
Variant type: Deletion.
Identifiers: ClinVar variation 525134 (VCV000525134.1).